The following is an entry in ClinVar:

NM_206933.4(USH2A):c.2821T>G (p.Ser941Ala)

Genes: USH2A (usherin; minus strand), USH2A-AS1 (USH2A antisense RNA 1; plus strand). Cytogenetic location: 1q41.
Variant type: single nucleotide variant.
Coding change: c.2821T>G on transcript NM_206933.4 (MANE Select); coding-DNA position 2821, T replaced by G.
Protein change: p.Ser941Ala; replaces serine 941 with alanine.
Molecular consequence: missense variant.
Genome position (GRCh38, 1-based): chr1:216,232,125, A>C on the plus strand (T>G on the coding strand, the complement: USH2A is on the minus strand). VCF-style: chr1-216232125-A-C. GRCh37 (hg19) VCF-style: chr1-216405467-A-C.
Other names: c.2821T>G, p.Ser941Ala (NM_007123.6); short protein forms S941A.
Identifiers: ClinVar variation 1926334 (VCV001926334.5), dbSNP rs2528127190, ClinGen allele CA344863424.

ClinVar aggregate classification (germline): Uncertain significance (1 of 4 stars; one submission).

Submission:

Labcorp Genetics (formerly Invitae), Labcorp
Classification: Uncertain significance. Last evaluated: 2022-08-05. Review status: criteria provided, single submitter. Criteria: Invitae Variant Classification Sherloc (09022015). Collection method: clinical testing. Allele origin: germline.
Comment: In summary, the available evidence is currently insufficient to determine the role of this variant in disease. Therefore, it has been classified as a Variant of Uncertain Significance. Algorithms developed to predict the effect of sequence changes on RNA splicing suggest that this variant may disrupt the consensus splice site. Algorithms developed to predict the effect of missense changes on protein structure and function output the following: SIFT: "Deleterious"; PolyPhen-2: "Benign"; Align-GVGD: "Class C65". The alanine amino acid residue is found in multiple mammalian species, which suggests that this missense change does not adversely affect protein function. This variant has not been reported in the literature in individuals affected with USH2A-related conditions. This variant is not present in population databases (gnomAD no frequency). This sequence change replaces serine, which is neutral and polar, with alanine, which is neutral and non-polar, at codon 941 of the USH2A protein (p.Ser941Ala).